The following is an entry in ClinVar:

ClinVar aggregate classification (germline): Uncertain significance (1 of 4 stars; one submission).

gnomAD v4.1: 34 of 1,610,462 alleles (0.0021%); highest among the groups gnomAD compares: Non-Finnish European, 0.0029%; no homozygotes.

Submission:

Labcorp Genetics (formerly Invitae), Labcorp
Classification: Uncertain significance. Last evaluated: 2025-04-01. Review status: criteria provided, single submitter. Criteria: Invitae Variant Classification Sherloc (09022015). Collection method: clinical testing. Allele origin: germline.
Comment: This sequence change replaces alanine, which is neutral and non-polar, with serine, which is neutral and polar, at codon 161 of the PPP2R1A protein (p.Ala161Ser). This variant is not present in population databases (gnomAD no frequency). This variant has not been reported in the literature in individuals affected with PPP2R1A-related conditions. Invitae Evidence Modeling of protein sequence and biophysical properties (such as structural, functional, and spatial information, amino acid conservation, physicochemical variation, residue mobility, and thermodynamic stability) indicates that this missense variant is not expected to disrupt PPP2R1A protein function with a negative predictive value of 80%. In summary, the available evidence is currently insufficient to determine the role of this variant in disease. Therefore, it has been classified as a Variant of Uncertain Significance.

NM_014225.6(PPP2R1A):c.481G>T (p.Ala161Ser)

Gene: PPP2R1A (protein phosphatase 2 scaffold subunit Aalpha; plus strand). Cytogenetic location: 19q13.41.
Variant type: single nucleotide variant.
Coding change: c.481G>T on transcript NM_014225.6 (MANE Select); coding-DNA position 481, G replaced by T.
Protein change: p.Ala161Ser; replaces alanine 161 with serine.
Molecular consequence: missense variant. On other transcripts: 5 prime UTR variant (1), non-coding transcript variant (1).
Genome position (GRCh38, 1-based): chr19:52,211,470, G>T. VCF-style: chr19-52211470-G-T. GRCh37 (hg19) VCF-style: chr19-52714723-G-T.
Other names: c.-57G>T (NM_001363656.2); short protein forms A161S.
Identifiers: ClinVar variation 3614624 (VCV003614624.2).
Genomic context (GRCh38, chr19:52,211,470, plus strand): 5'-TTCACCTCCCGCACCTCGGCCTGCGGCCTCTTCTCCGTCTGCTACCCCCGAGTGTCCAGT[G>T]CTGTGAAGGCGGAACTTCGACAGTGAGTCTCTGCCTCCTTGGAAGCTCCAAGCTCCCATC-3'
Protein context (NP_055040.2, residues 151-171): FSVCYPRVSS[Ala161Ser]VKAELRQYFR